The following is an entry in ClinVar:

NM_004629.2(FANCG):c.1460C>T (p.Thr487Ile)

Gene: FANCG (FA complementation group G; minus strand). Cytogenetic location: 9p13.3.
Variant type: single nucleotide variant.
Coding change: c.1460C>T on transcript NM_004629.2 (MANE Select); coding-DNA position 1460, C replaced by T.
Protein change: p.Thr487Ile; replaces threonine 487 with isoleucine.
Molecular consequence: missense variant.
Genome position (GRCh38, 1-based): chr9:35,075,299, G>A on the plus strand (C>T on the coding strand, the complement: FANCG is on the minus strand). VCF-style: chr9-35075299-G-A. GRCh37 (hg19) VCF-style: chr9-35075296-G-A.
Other names: short protein forms T487I.
Identifiers: ClinVar variation 1400278 (VCV001400278.8), dbSNP rs2131053434, ClinGen allele CA373305797.

ClinVar aggregate classification (germline): Uncertain significance (1 of 4 stars; one submission).

Conditions:
Fanconi anemia (FA). Also called: Fanconi's anemia. Identifiers: Orphanet 84, MedGen C0015625, MeSH D005199, MONDO:0019391.

Submission:

Labcorp Genetics (formerly Invitae), Labcorp
Classification: Uncertain significance for Fanconi anemia. Last evaluated: 2020-11-24. Review status: criteria provided, single submitter. Criteria: Invitae Variant Classification Sherloc (09022015). Collection method: clinical testing. Allele origin: germline.
Comment: In summary, the available evidence is currently insufficient to determine the role of this variant in disease. Therefore, it has been classified as a Variant of Uncertain Significance. Algorithms developed to predict the effect of missense changes on protein structure and function output the following: SIFT: "Tolerated"; PolyPhen-2: "Benign"; Align-GVGD: "Class C0". The isoleucine amino acid residue is found in multiple mammalian species, suggesting that this missense change does not adversely affect protein function. These predictions have not been confirmed by published functional studies and their clinical significance is uncertain. This variant has not been reported in the literature in individuals with FANCG-related conditions. This variant is not present in population databases (ExAC no frequency). This sequence change replaces threonine with isoleucine at codon 487 of the FANCG protein (p.Thr487Ile). The threonine residue is weakly conserved and there is a moderate physicochemical difference between threonine and isoleucine.